The following is an entry in ClinVar:

ClinVar aggregate classification (germline): Likely benign. Review status: no assertion criteria provided (0 of 4 stars). 4 submissions from 4 submitters: Likely benign (4). Last evaluated 2024-01-03.

Conditions:
MED12-Related Disorders. Also called: MED12-related condition; MED12-related disorder. Identifiers: MedGen CN381102.

Allele frequency attached by ClinVar (database versions not stated): gnomAD exomes 0.00001 and 0.00002; TOPMed below 0.00001.
gnomAD v4.1: 12 of 1,211,064 alleles (0.00099%); no homozygotes.

Submissions (4):

PreventionGenetics, part of Exact Sciences
Classification: Likely benign for MED12-related condition. Last evaluated: 2024-01-03. Review status: no assertion criteria provided. Collection method: clinical testing. Allele origin: germline.
Comment: This variant is classified as likely benign based on ACMG/AMP sequence variant interpretation guidelines (Richards et al. 2015 PMID: 25741868, with internal and published modifications).

Clinical Genetics DNA and cytogenetics Diagnostics Lab, Erasmus MC, Erasmus Medical Center
Classification: Likely benign. Review status: no assertion criteria provided. Collection method: clinical testing. Allele origin: germline. Affected: yes. Study: VKGL Data-share Consensus.

Genome Diagnostics Laboratory, University Medical Center Utrecht
Classification: Likely benign. Review status: no assertion criteria provided. Collection method: clinical testing. Allele origin: germline. Affected: yes. Study: VKGL Data-share Consensus.

Laboratory of Diagnostic Genome Analysis, Leiden University Medical Center (LUMC)
Classification: Likely benign. Review status: no assertion criteria provided. Collection method: clinical testing. Allele origin: germline. Affected: yes. Study: VKGL Data-share Consensus.

NM_005120.3(MED12):c.6045-5T>C

Gene: MED12 (mediator complex subunit 12; plus strand). Cytogenetic location: Xq13.1.
Variant type: single nucleotide variant.
Coding change: c.6045-5T>C on transcript NM_005120.3 (MANE Select); 5 bases into the intron before coding-DNA position 6045, T replaced by C.
Molecular consequence: intron variant.
Genome position (GRCh38, 1-based): chrX:71,140,630, T>C. VCF-style: chrX-71140630-T-C. GRCh37 (hg19) VCF-style: chrX-70360480-T-C.
Other names: c.6045-5T>C (NM_005120.2).
Identifiers: ClinVar variation 1205963 (VCV001205963.5), dbSNP rs1294743596, ClinGen allele CA641958656.
Genomic context (GRCh38, chrX:71,140,630, plus strand): 5'-GTTTATACTGACCCCCTCTCCTCACCTCCCTCATGCCTTGACCTCTGACCCTCTTATCTT[T>C]GGAGGTTTTCACACCAGACACTGCAGCAGACACCCATGATAAGTACCATGACTCCAATGA-3'